The following is an entry in ClinVar:

ClinVar aggregate classification (germline): Uncertain significance (1 of 4 stars; one submission).

Conditions:
ERCC2-related disorder. Also called: ERCC2-related conditions; ERCC2-related condition; ERCC2-related disorders. Identifiers: MedGen CN239291.

Submission:

Myriad Genetics, Inc.
Classification: Uncertain significance for ERCC2-related disorder. Last evaluated: 2025-11-03. Review status: criteria provided, single submitter. Criteria: Myriad Autosomal Dominant, Autosomal Recessive and X-Linked Classification Criteria (2023). Collection method: clinical testing. Allele origin: unknown.
Comment: NM_000400.3(ERCC2):c.2240_2241delAG(E747Gfs*26) is a frameshift variant that results in protein elongation classified as a variant of uncertain significance in the context of ERCC2-related disorders. E747Gfs*26 has not been observed in cases with relevant disease. Relevant functional assessments of this variant are not available in the literature. E747Gfs*26 has been observed in referenced population frequency databases. In summary, there is insufficient evidence to classify NM_000400.3(ERCC2):c.2240_2241delAG(E747Gfs*26) as pathogenic or benign. Please note: this variant was assessed in the context of healthy population screening.

NM_000400.4(ERCC2):c.2240_2241del (p.Glu747fs)

Gene: ERCC2 (ERCC excision repair 2, TFIIH core complex helicase subunit; minus strand). Cytogenetic location: 19q13.32.
Variant type: Microsatellite.
Coding change: c.2240_2241del on transcript NM_000400.4 (MANE Select); coding-DNA positions 2240 to 2241, 2 bases deleted (AG; older notation c.2240_2241delAG).
Protein change: p.Glu747fs; shifts the reading frame from glutamic acid 747.
Molecular consequence: frameshift variant. On other transcripts: non-coding transcript variant (3).
Genome position (GRCh38, 1-based): chr19:45,351,671-45,351,672, CT deleted on the plus strand (AG on the coding strand, the reverse complement: ERCC2 is on the minus strand); deleting any 2 consecutive bases within chr19:45,351,671-45,351,674 gives the same sequence; the c. name uses the placement nearest the transcript's 3' end. VCF-style (leftmost placement, unchanged base first): chr19-45351670-CCT-C. GRCh37 (hg19) VCF-style: chr19-45854928-CCT-C.
Other names: c.2168_2169del, p.Glu723fs (NM_001440355.1); c.2162_2163del, p.Glu721fs (NM_001440356.1); c.2117_2118del, p.Glu706fs (NM_001440357.1); short protein forms E721fs, E706fs, E723fs, E747fs.
Identifiers: ClinVar variation 5004261 (VCV005004261.1).